The following is an entry in ClinVar:

ClinVar aggregate classification (germline): Uncertain significance. Review status: criteria provided, multiple submitters, no conflicts (2 of 4 stars). 2 submissions from 2 submitters: Uncertain significance (2). Last evaluated 2024-01-31.

Conditions:
Joubert syndrome 14 (JBTS14). Identifiers: MedGen C3280766, MONDO:0013745, OMIM 614424.

Allele frequency attached by ClinVar (database versions not stated): gnomAD below 0.00001 and 0.00002; 1000 Genomes Project 30x 0.00016; 1000 Genomes Project 0.00020; ExAC 0.00035.
gnomAD v4.1: 53 of 1,541,604 alleles (0.0034%); highest among the groups gnomAD compares: South Asian, 0.06%; 1 homozygote.

Submissions (2):

Fulgent Genetics
Classification: Uncertain significance for Joubert syndrome 14. Last evaluated: 2024-01-31. Review status: criteria provided, single submitter. Criteria: ACMG Guidelines, 2015. Collection method: clinical testing. Allele origin: germline.

Labcorp Genetics (formerly Invitae), Labcorp
Classification: Uncertain significance for Joubert syndrome 14. Last evaluated: 2022-02-04. Review status: criteria provided, single submitter. Criteria: Invitae Variant Classification Sherloc (09022015). Collection method: clinical testing. Allele origin: germline.
Comment: This sequence change replaces serine, which is neutral and polar, with leucine, which is neutral and non-polar, at codon 5 of the TMEM237 protein (p.Ser5Leu). This variant is present in population databases (rs562984785, gnomAD 0.06%). This variant has not been reported in the literature in individuals affected with TMEM237-related conditions. ClinVar contains an entry for this variant (Variation ID: 967699). Algorithms developed to predict the effect of missense changes on protein structure and function (SIFT, PolyPhen-2, Align-GVGD) all suggest that this variant is likely to be tolerated. In summary, the available evidence is currently insufficient to determine the role of this variant in disease. Therefore, it has been classified as a Variant of Uncertain Significance.

NM_001044385.3(TMEM237):c.14C>T (p.Ser5Leu)

Genes: TMEM237 (transmembrane protein 237; minus strand), LOC129935417 (ATAC-STARR-seq lymphoblastoid silent region 12235; plus strand). Cytogenetic location: 2q33.1.
Variant type: single nucleotide variant.
Coding change: c.14C>T on transcript NM_001044385.3 (MANE Select); coding-DNA position 14, C replaced by T.
Protein change: p.Ser5Leu; replaces serine 5 with leucine.
Molecular consequence: missense variant.
Genome position (GRCh38, 1-based): chr2:201,643,387, G>A on the plus strand (C>T on the coding strand, the complement: TMEM237 is on the minus strand). VCF-style: chr2-201643387-G-A. GRCh37 (hg19) VCF-style: chr2-202508110-G-A.
Other names: short protein forms S5L.
Identifiers: ClinVar variation 967699 (VCV000967699.8), dbSNP rs562984785, ClinGen allele CA2056706.